The following is an entry in ClinVar:

NM_016648.4(LARP7):c.878_896del (p.Gly293fs)

Genes: LARP7 (La ribonucleoprotein 7, transcriptional regulator; plus strand), MIR302CHG (miR-302/367 cluster host gene; minus strand). Cytogenetic location: 4q25.
Variant type: Deletion.
Coding change: c.878_896del on transcript NM_016648.4 (MANE Select); coding-DNA positions 878 to 896, 19 bases deleted (GGAAGAGGAAGAGAAGCAG).
Protein change: p.Gly293fs; shifts the reading frame from glycine 293.
Molecular consequence: frameshift variant. On other transcripts: non-coding transcript variant (1).
Genome position (GRCh38, 1-based): chr4:112,647,430-112,647,448, GGAAGAGGAAGAGAAGCAG deleted; deleting any 19 consecutive bases within chr4:112,647,427-112,647,448 gives the same sequence; the c. name uses the placement nearest the transcript's 3' end. VCF-style (leftmost placement, unchanged base first): chr4-112647426-ACAGGGAAGAGGAAGAGAAG-A. GRCh37 (hg19) VCF-style: chr4-113568582-ACAGGGAAGAGGAAGAGAAG-A.
Other names: c.878_896del, p.Gly293fs (NM_001267039.4, NM_001370974.1, NM_001370975.1 and 2 more transcripts); c.875_893del, p.Gly292fs (NM_001370976.1, NM_001370977.1, NM_001370979.1 and 1 more transcripts); c.641_659del, p.Gly214fs (NM_001370981.1, NM_001370982.1); short protein forms G214fs, G292fs, G293fs.
Identifiers: ClinVar variation 1374371 (VCV001374371.7), dbSNP rs2149266450, ClinGen allele CA2573137968.
Genomic context (GRCh38, chr4:112,647,426, plus strand): 5'-TGCTCAAAGAAAAAGAAAAAACGGGACAGAGTTGAAGCATCTAGCTTACCTGAAGTCAGA[ACAGGGAAGAGGAAGAGAAG>A]CAGCTCTGAAGATGCAGAATCCCTAGCTCCCCGATCAAAAGTAAAGAAAATTATTCAGAA-3'

ClinVar aggregate classification (germline): Pathogenic (1 of 4 stars; one submission).

Submission:

Labcorp Genetics (formerly Invitae), Labcorp
Classification: Pathogenic. Last evaluated: 2022-03-02. Review status: criteria provided, single submitter. Criteria: Invitae Variant Classification Sherloc (09022015). Collection method: clinical testing. Allele origin: germline.
Comment: This variant is not present in population databases (gnomAD no frequency). This sequence change creates a premature translational stop signal (p.Gly293Alafs*8) in the LARP7 gene. It is expected to result in an absent or disrupted protein product. Loss-of-function variants in LARP7 are known to be pathogenic (PMID: 22865833, 26374271, 26607181). This variant has not been reported in the literature in individuals affected with LARP7-related conditions. For these reasons, this variant has been classified as Pathogenic.

Literature cited by the submitters: PubMed 22865833; PubMed 26374271; PubMed 26607181.